The following is an entry in ClinVar:

NM_138576.4(BCL11B):c.925C>A (p.Arg309Ser)

Gene: BCL11B (BCL11 transcription factor B; minus strand). Cytogenetic location: 14q32.2.
Variant type: single nucleotide variant.
Coding change: c.925C>A on transcript NM_138576.4 (MANE Select); coding-DNA position 925, C replaced by A.
Protein change: p.Arg309Ser; replaces arginine 309 with serine.
Molecular consequence: missense variant.
Genome position (GRCh38, 1-based): chr14:99,175,911, G>T on the plus strand (C>A on the coding strand, the complement: BCL11B is on the minus strand). VCF-style: chr14-99175911-G-T. GRCh37 (hg19) VCF-style: chr14-99642248-G-T.
Other names: c.922C>A, p.Arg308Ser (NM_001282237.2); c.709C>A, p.Arg237Ser (NM_001282238.2); c.712C>A, p.Arg238Ser (NM_022898.3); short protein forms R237S, R238S, R308S, R309S.
Identifiers: ClinVar variation 3375943 (VCV003375943.1).

ClinVar aggregate classification (germline): Uncertain significance (1 of 4 stars; one submission).

Submission:

GeneDx
Classification: Uncertain significance. Last evaluated: 2024-05-02. Review status: criteria provided, single submitter. Criteria: GeneDx Variant Classification Process June 2021. Collection method: clinical testing. Allele origin: germline. Affected: yes.
Comment: Not observed at significant frequency in large population cohorts (gnomAD); In silico analysis supports that this missense variant has a deleterious effect on protein structure/function; Has not been previously published as pathogenic or benign to our knowledge